The following is an entry in ClinVar:

ClinVar aggregate classification (germline): Pathogenic. Review status: criteria provided, multiple submitters, no conflicts (2 of 4 stars). 6 submissions from 6 submitters: Pathogenic (5). 1 of the submissions does not count toward it. Last evaluated 2024-03-15.

Conditions:
Niemann-Pick disease, type C (NPC). Identifiers: Orphanet 646, MedGen C0220756, MONDO:0018982.
Niemann-Pick disease, type C1. Also called: NEUROVISCERAL STORAGE DISEASE WITH VERTICAL SUPRANUCLEAR OPHTHALMOPLEGIA; NIEMANN-PICK DISEASE WITH CHOLESTEROL ESTERIFICATION BLOCK; NIEMANN-PICK DISEASE WITHOUT SPHINGOMYELINASE DEFICIENCY; NIEMANN-PICK DISEASE, CHRONIC NEURONOPATHIC FORM; NIEMANN-PICK DISEASE, VARIANT TYPE C1. Identifiers: Orphanet 646, MedGen C3179455, MONDO:0009757, OMIM 257220.
Niemann-Pick disease, type C1, juvenile form. Identifiers: MedGen C4017106.

Allele frequency attached by ClinVar (database versions not stated): gnomAD exomes below 0.00001; TOPMed below 0.00001; ExAC 0.00001.
gnomAD v4.1: 5 of 1,613,980 alleles (0.00031%); highest among the groups gnomAD compares: Admixed American, 0.0033%; no homozygotes.

Submissions (6):

Labcorp Genetics (formerly Invitae), Labcorp
Classification: Pathogenic for Niemann-Pick disease, type C1. Last evaluated: 2024-03-15. Review status: criteria provided, single submitter. Criteria: Invitae Variant Classification Sherloc (09022015). Collection method: clinical testing. Allele origin: germline.
Comment: This sequence change creates a premature translational stop signal (p.Arg958*) in the NPC1 gene. It is expected to result in an absent or disrupted protein product. Loss-of-function variants in NPC1 are known to be pathogenic (PMID: 9211850). This variant is present in population databases (rs759826138, gnomAD 0.003%). This premature translational stop signal has been observed in individual(s) with Niemann-Pick disease type C (PMID: 11349231, 23773996). ClinVar contains an entry for this variant (Variation ID: 287837). For these reasons, this variant has been classified as Pathogenic.

Women's Health and Genetics/Laboratory Corporation of America, LabCorp
Classification: Pathogenic for Niemann-Pick disease, type C. Last evaluated: 2021-09-20. Review status: criteria provided, single submitter. Criteria: LabCorp Variant Classification Summary - May 2015. Collection method: clinical testing. Allele origin: germline.
Comment: Variant summary: NPC1 c.2872C>T (p.Arg958X) results in a premature termination codon, predicted to cause a truncation of the encoded protein or absence of the protein due to nonsense mediated decay, which are commonly known mechanisms for disease. Truncations downstream of this position have been classified as pathogenic by our laboratory. The variant allele was found at a frequency of 4e-06 in 251158 control chromosomes. c.2872C>T has been reported in the literature in multiple individuals affected with Niemann-Pick Disease Type C (Sun_2001, Fancello_2009, Heron_2012, PerezMaturo_2020). These data indicate that the variant is very likely to be associated with disease. At least one publication also reported experimental evidence evaluating an impact on protein function, and demonstrated impaired esterification of LDL-derived cholesterol in patient derived fibroblasts (Sun_2001). Three clinical diagnostic laboratories have submitted clinical-significance assessments for this variant to ClinVar after 2014 without evidence for independent evaluation. All laboratories classified the variant as pathogenic. Based on the evidence outlined above, the variant was classified as pathogenic.

Rady Children's Institute for Genomic Medicine, Rady Children's Hospital San Diego
Classification: Pathogenic for NIEMANN-PICK DISEASE, TYPE C1, JUVENILE FORM. Last evaluated: 2019-05-23. Review status: criteria provided, single submitter. Criteria: ACMG Guidelines, 2015. Collection method: clinical testing. Allele origin: germline. Affected: yes.
Comment: This nonsense variant found in exon 19 of 25 is predicted to result in loss of normal protein function. This variant has been previously reported as a compound heterozygous change in patients with Niemann-Pick disease (PMID: 23773996). It is present in the heterozygous state in the gnomAD population database at a frequency of 0.00039% (1/251158) and thus is presumed to be rare. This variant has been previously classified as Pathogenic by multiple clinical labs in the ClinVar database (Variation ID: 287837). Based on the available evidence, the c.2872C>T (p.Arg958Ter) variant is classified as Pathogenic.

Eurofins Ntd Llc (ga)
Classification: Pathogenic. Last evaluated: 2016-05-27. Review status: criteria provided, single submitter. Criteria: EGL Classification Definitions 2015. Collection method: clinical testing. Allele origin: germline. Observed: 2 variant alleles, 2 heterozygotes.

Juno Genomics, Hangzhou Juno Genomics, Inc
Classification: Pathogenic for Niemann-Pick disease, type C1. Review status: criteria provided, single submitter. Criteria: ACMG Guidelines, 2015. Collection method: clinical testing. Allele origin: germline.
Comment: Absent from controls (or at extremely low frequency if recessive) in Genome Aggregation Database.;Null variant in a gene where loss of function (LOF) is a known mechanism of disease.;For recessive disorders, detected in trans with a pathogenic variant.;Patient's phenotype or family history is highly specific for a disease with a single genetic etiology.

Counsyl
Classification: Pathogenic for Niemann-Pick disease, type C1. Last evaluated: 2016-07-12. Review status: no assertion criteria provided. Collection method: clinical testing. Allele origin: unknown. Not counted in ClinVar's aggregate classification.

Literature cited by the submitters: PubMed 9211850 (cited by Labcorp Genetics (formerly Invitae), Labcorp); PubMed 11349231 (cited by 4 submitters); PubMed 23773996 (cited by 4 submitters); PubMed 19252935 (cited by Women's Health and Genetics/Laboratory Corporation of America, LabCorp); PubMed 22676771 (cited by Women's Health and Genetics/Laboratory Corporation of America, LabCorp and Eurofins Ntd Llc (ga)); PubMed 32709131 (cited by Women's Health and Genetics/Laboratory Corporation of America, LabCorp); PubMed 32138288 (cited by Women's Health and Genetics/Laboratory Corporation of America, LabCorp); PubMed 32488064 (cited by Women's Health and Genetics/Laboratory Corporation of America, LabCorp).

NM_000271.5(NPC1):c.2872C>T (p.Arg958Ter)

Gene: NPC1 (NPC intracellular cholesterol transporter 1; minus strand). Cytogenetic location: 18q11.2.
Variant type: single nucleotide variant.
Coding change: c.2872C>T on transcript NM_000271.5 (MANE Select); coding-DNA position 2872, C replaced by T.
Protein change: p.Arg958Ter; replaces arginine 958 with a stop codon.
Molecular consequence: nonsense.
Genome position (GRCh38, 1-based): chr18:23,539,394, G>A on the plus strand (C>T on the coding strand, the complement: NPC1 is on the minus strand). VCF-style: chr18-23539394-G-A. GRCh37 (hg19) VCF-style: chr18-21119358-G-A.
Other names: short protein forms R958*.
Identifiers: ClinVar variation 287837 (VCV000287837.16), dbSNP rs759826138, ClinGen allele CA8912940.